The following is an entry in ClinVar:

NM_016169.4(SUFU):c.852T>A (p.Asp284Glu)

Gene: SUFU (SUFU negative regulator of hedgehog signaling; plus strand). Cytogenetic location: 10q24.32.
Variant type: single nucleotide variant.
Coding change: c.852T>A on transcript NM_016169.4 (MANE Select); coding-DNA position 852, T replaced by A.
Protein change: p.Asp284Glu; replaces aspartic acid 284 with glutamic acid.
Molecular consequence: missense variant.
Genome position (GRCh38, 1-based): chr10:102,597,235, T>A. VCF-style: chr10-102597235-T-A. GRCh37 (hg19) VCF-style: chr10-104356992-T-A.
Other names: c.852T>A, p.Asp284Glu (NM_001178133.2); short protein forms D284E.
Identifiers: ClinVar variation 2950570 (VCV002950570.3), dbSNP rs2545094702, ClinGen allele CA377910637.
Genomic context (GRCh38, chr10:102,597,235, plus strand): 5'-CAACCTGAGTGGTGTCAGTGCCAAGTGTGCCTGGGATGACCTGAGCCGGCCCCCCGAGGA[T>A]GACGAGGACAGCCGGAGCATCTGCATCGGCACACAGCCCCGGCGACTCTCTGGCAAAGGT-3'
Protein context (NP_057253.2, residues 274-294): AWDDLSRPPE[Asp284Glu]DEDSRSICIG

ClinVar aggregate classification (germline): Uncertain significance (1 of 4 stars; one submission).

Conditions:
Gorlin syndrome. Also called: Nevoid Basal Cell Carcinoma Syndrome; Basal cell nevus syndrome. Identifiers: Orphanet 377, MedGen C0004779, MONDO:0007187.
Medulloblastoma (MDB). Also called: MEDULLOBLASTOMA PREDISPOSITION SYNDROME; Medulloblastoma, somatic. Identifiers: Orphanet 616, MedGen C0025149, MeSH D008527, MONDO:0007959, OMIM 155255, HP:0002885.

Submission:

Labcorp Genetics (formerly Invitae), Labcorp
Classification: Uncertain significance for Gorlin syndrome; Medulloblastoma. Last evaluated: 2023-08-02. Review status: criteria provided, single submitter. Criteria: Invitae Variant Classification Sherloc (09022015). Collection method: clinical testing. Allele origin: germline.
Comment: In summary, the available evidence is currently insufficient to determine the role of this variant in disease. Therefore, it has been classified as a Variant of Uncertain Significance. Advanced modeling of protein sequence and biophysical properties (such as structural, functional, and spatial information, amino acid conservation, physicochemical variation, residue mobility, and thermodynamic stability) performed at Invitae indicates that this missense variant is not expected to disrupt SUFU protein function. This variant has not been reported in the literature in individuals affected with SUFU-related conditions. This variant is not present in population databases (gnomAD no frequency). This sequence change replaces aspartic acid, which is acidic and polar, with glutamic acid, which is acidic and polar, at codon 284 of the SUFU protein (p.Asp284Glu).